The following is an entry in ClinVar:

NM_001130987.2(DYSF):c.4540A>G (p.Ile1514Val)

Gene: DYSF (dysferlin; plus strand). Cytogenetic location: 2p13.2.
Variant type: single nucleotide variant.
Coding change: c.4540A>G on transcript NM_001130987.2 (MANE Select); coding-DNA position 4540, A replaced by G.
Protein change: p.Ile1514Val; replaces isoleucine 1514 with valine.
Molecular consequence: missense variant.
Genome position (GRCh38, 1-based): chr2:71,643,977, A>G. VCF-style: chr2-71643977-A-G. GRCh37 (hg19) VCF-style: chr2-71871107-A-G.
Other names: c.4426A>G, p.Ile1476Val (NM_001130455.2); c.4381A>G, p.Ile1461Val (NM_001130976.2); c.4444A>G, p.Ile1482Val (NM_001130977.2); c.4486A>G, p.Ile1496Val (NM_001130978.2); c.4516A>G, p.Ile1506Val (NM_001130979.2); c.4474A>G, p.Ile1492Val (NM_001130980.2); c.4537A>G, p.Ile1513Val (NM_001130981.2); c.4519A>G, p.Ile1507Val (NM_001130982.2); and 5 more; short protein forms I1461V, I1476V, I1492V, I1497V, I1462V, I1482V, I1493V, I1506V.
Identifiers: ClinVar variation 948053 (VCV000948053.9), dbSNP rs767309227, ClinGen allele CA1707049.
Genomic context (GRCh38, chr2:71,643,977, plus strand): 5'-TTGGCGAGTCCTGTTTCTGAAATGGTCTCTTTCTTTCTACCCACTCAGGAGGAAGAGTTC[A>G]TCGATTGGTGGAGCAAATTCTTTGCCTCCATAGGGGAGAGGGAAAAGTGCGGCTCCTACC-3'
Protein context (NP_001124459.1, residues 1504-1524): PPSSPHEEEF[Ile1514Val]DWWSKFFASI

ClinVar aggregate classification (germline): Uncertain significance. Review status: criteria provided, multiple submitters, no conflicts (2 of 4 stars). 3 submissions from 3 submitters: Uncertain significance (2). 1 of the submissions does not count toward it. Last evaluated 2025-06-07.

Conditions:
Autosomal recessive limb-girdle muscular dystrophy type 2B (LGMDR2). Also called: Limb-Girdle Muscular Dystrophy Type 2B (LGMD2B); MUSCULAR DYSTROPHY, LIMB-GIRDLE, TYPE 3; Limb-girdle muscular dystrophy, type 2B; MUSCULAR DYSTROPHY, LIMB-GIRDLE, AUTOSOMAL RECESSIVE 2. Identifiers: Orphanet 268, MedGen C1850889, MONDO:0009676, OMIM 253601.
Inborn genetic diseases. Identifiers: MedGen C0950123, MeSH D030342.
Neuromuscular disease caused by qualitative or quantitative defects of dysferlin. Also called: Dysferlinopathy; Qualitative or quantitative defects of dysferlin. Identifiers: Orphanet 207073, MedGen C2931687, MONDO:0016145.

Allele frequency attached by ClinVar (database versions not stated): gnomAD 0.00001; gnomAD exomes 0.00001; TOPMed 0.00001; ExAC 0.00002.
gnomAD v4.1: 16 of 1,610,552 alleles (0.00099%); highest among the groups gnomAD compares: South Asian, 0.012%; no homozygotes.

Submissions (3):

Ambry Genetics
Classification: Uncertain significance for Inborn genetic diseases. Last evaluated: 2025-06-07. Review status: criteria provided, single submitter. Criteria: Ambry Variant Classification Scheme 2023. Collection method: clinical testing. Allele origin: germline.

Labcorp Genetics (formerly Invitae), Labcorp
Classification: Uncertain significance for Neuromuscular disease caused by qualitative or quantitative defects of dysferlin. Last evaluated: 2021-08-31. Review status: criteria provided, single submitter. Criteria: Invitae Variant Classification Sherloc (09022015). Collection method: clinical testing. Allele origin: germline.
Comment: This sequence change replaces isoleucine with valine at codon 1475 of the DYSF protein (p.Ile1475Val). The isoleucine residue is moderately conserved and there is a small physicochemical difference between isoleucine and valine. This variant is present in population databases (rs767309227, ExAC 0.02%). This variant has not been reported in the literature in individuals affected with DYSF-related conditions. Algorithms developed to predict the effect of missense changes on protein structure and function output the following: SIFT: "Tolerated"; PolyPhen-2: "Benign"; Align-GVGD: "Class C0". The valine amino acid residue is found in multiple mammalian species, which suggests that this missense change does not adversely affect protein function. In summary, the available evidence is currently insufficient to determine the role of this variant in disease. Therefore, it has been classified as a Variant of Uncertain Significance.

Natera, Inc.
Classification: Uncertain significance for Limb-girdle muscular dystrophy type 2B. Last evaluated: 2020-08-21. Review status: no assertion criteria provided. Collection method: clinical testing. Allele origin: germline. Not counted in ClinVar's aggregate classification.